The following is an entry in ClinVar:

NM_014363.6(SACS):c.11168A>T (p.Asp3723Val)

Gene: SACS (sacsin molecular chaperone; minus strand). Cytogenetic location: 13q12.12.
Variant type: single nucleotide variant.
Coding change: c.11168A>T on transcript NM_014363.6 (MANE Select); coding-DNA position 11168, A replaced by T.
Protein change: p.Asp3723Val; replaces aspartic acid 3723 with valine.
Molecular consequence: missense variant.
Genome position (GRCh38, 1-based): chr13:23,332,708, T>A on the plus strand (A>T on the coding strand, the complement: SACS is on the minus strand). VCF-style: chr13-23332708-T-A. GRCh37 (hg19) VCF-style: chr13-23906847-T-A.
Other names: c.10727A>T, p.Asp3576Val (NM_001278055.2); short protein forms D3576V, D3723V.
Identifiers: ClinVar variation 1997094 (VCV001997094.2), dbSNP rs1437563304, ClinGen allele CA387510584.

ClinVar aggregate classification (germline): Uncertain significance (1 of 4 stars; one submission).

Conditions:
Spastic paraplegia. Identifiers: MedGen C0037772, HP:0001258.

Allele frequency attached by ClinVar (database versions not stated): gnomAD exomes below 0.00001.
gnomAD v4.1: 1 of 1,614,012 alleles (0.000062%); highest among the groups gnomAD compares: Admixed American, 0.0017%; no homozygotes.

Submission:

Labcorp Genetics (formerly Invitae), Labcorp
Classification: Uncertain significance for Spastic paraplegia. Last evaluated: 2025-02-17. Review status: criteria provided, single submitter. Criteria: Invitae Variant Classification Sherloc (09022015). Collection method: clinical testing. Allele origin: germline.
Comment: This sequence change replaces aspartic acid, which is acidic and polar, with valine, which is neutral and non-polar, at codon 3723 of the SACS protein (p.Asp3723Val). This variant is present in population databases (no rsID available, gnomAD 0.003%). This variant has not been reported in the literature in individuals affected with SACS-related conditions. ClinVar contains an entry for this variant (Variation ID: 1997094). Invitae Evidence Modeling of protein sequence and biophysical properties (such as structural, functional, and spatial information, amino acid conservation, physicochemical variation, residue mobility, and thermodynamic stability) indicates that this missense variant is not expected to disrupt SACS protein function with a negative predictive value of 95%. In summary, the available evidence is currently insufficient to determine the role of this variant in disease. Therefore, it has been classified as a Variant of Uncertain Significance.